The following is an entry in ClinVar:

ClinVar aggregate classification (germline): Benign/Likely benign. Review status: criteria provided, multiple submitters, no conflicts (2 of 4 stars). 5 submissions from 5 submitters: Benign (1); Likely benign (4). Last evaluated 2025-05-13.

Conditions:
Hereditary cancer-predisposing syndrome. Also called: Hereditary Cancer Syndrome; Hereditary neoplastic syndrome; Neoplastic Syndromes, Hereditary; Tumor predisposition. Identifiers: Orphanet 140162, MedGen C0027672, MeSH D009386, MONDO:0015356.
Familial cancer of breast. Also called: Hereditary breast cancer; hereditary breast carcinoma; BREAST CANCER, FAMILIAL. Identifiers: Orphanet 227535, MedGen C0346153, MONDO:0016419, OMIM 114480. Disease mechanism: loss of function.

gnomAD v4.1: 4 of 1,614,224 alleles (0.00025%); highest among the groups gnomAD compares: Non-Finnish European, 0.00034%; no homozygotes.

Submissions (5):

Labcorp Genetics (formerly Invitae), Labcorp
Classification: Likely benign for Familial cancer of breast. Last evaluated: 2025-05-13. Review status: criteria provided, single submitter. Criteria: Invitae Variant Classification Sherloc (09022015). Collection method: clinical testing. Allele origin: germline.

Myriad Genetics, Inc.
Classification: Benign for Familial cancer of breast. Last evaluated: 2024-07-30. Review status: criteria provided, single submitter. Criteria: Myriad Autosomal Dominant, Autosomal Recessive and X-Linked Classification Criteria (2023). Collection method: clinical testing. Allele origin: unknown.
Comment: This variant is considered benign. This variant is a silent/synonymous amino acid change and it is not expected to impact splicing.

Color Diagnostics, LLC DBA Color Health
Classification: Likely benign for Hereditary cancer-predisposing syndrome. Last evaluated: 2018-07-02. Review status: criteria provided, single submitter. Criteria: ACMG Guidelines, 2015. Collection method: clinical testing. Allele origin: germline.

GeneDx
Classification: Likely benign. Last evaluated: 2017-06-14. Review status: criteria provided, single submitter. Criteria: GeneDx Variant Classification (06012015). Collection method: clinical testing. Allele origin: germline. Affected: yes.
Comment: This variant is considered likely benign or benign based on one or more of the following criteria: it is a conservative change, it occurs at a poorly conserved position in the protein, it is predicted to be benign by multiple in silico algorithms, and/or has population frequency not consistent with disease.

Ambry Genetics
Classification: Likely benign for Hereditary cancer-predisposing syndrome. Last evaluated: 2016-07-14. Review status: criteria provided, single submitter. Criteria: Ambry Variant Classification Scheme 2023. Collection method: clinical testing. Allele origin: germline.

NM_000465.4(BARD1):c.2163A>C (p.Ala721=)

Gene: BARD1 (BRCA1 associated RING domain 1; minus strand). Cytogenetic location: 2q35.
Variant type: single nucleotide variant.
Coding change: c.2163A>C on transcript NM_000465.4 (MANE Select); coding-DNA position 2163, A replaced by C.
Protein change: p.Ala721=; no amino-acid change (alanine 721 retained).
Molecular consequence: synonymous variant. On other transcripts: non-coding transcript variant (3).
Genome position (GRCh38, 1-based): chr2:214,728,847, T>G on the plus strand (A>C on the coding strand, the complement: BARD1 is on the minus strand). VCF-style: chr2-214728847-T-G. GRCh37 (hg19) VCF-style: chr2-215593571-T-G.
Other names: c.2106A>C, p.Ala702= (NM_001282543.2); c.810A>C, p.Ala270= (NM_001282545.2); c.753A>C, p.Ala251= (NM_001282548.2); c.624A>C, p.Ala208= (NM_001282549.2).
Identifiers: ClinVar variation 388122 (VCV000388122.20), dbSNP rs786202805, ClinGen allele CA16604042.